The following is an entry in ClinVar:

NM_176787.5(PIGN):c.1202T>G (p.Ile401Ser)

Gene: PIGN (phosphatidylinositol glycan anchor biosynthesis class N; minus strand). Cytogenetic location: 18q21.33.
Variant type: single nucleotide variant.
Coding change: c.1202T>G on transcript NM_176787.5 (MANE Select); coding-DNA position 1202, T replaced by G.
Protein change: p.Ile401Ser; replaces isoleucine 401 with serine.
Molecular consequence: missense variant.
Genome position (GRCh38, 1-based): chr18:62,114,610, A>C on the plus strand (T>G on the coding strand, the complement: PIGN is on the minus strand). VCF-style: chr18-62114610-A-C. GRCh37 (hg19) VCF-style: chr18-59781843-A-C.
Other names: c.1202T>G, p.Ile401Ser (NM_012327.6); short protein forms I401S.
Identifiers: ClinVar variation 945554 (VCV000945554.9), dbSNP rs2035017172, ClinGen allele CA402606174.

ClinVar aggregate classification (germline): Uncertain significance (1 of 4 stars; one submission).

Conditions:
Multiple congenital anomalies-hypotonia-seizures syndrome 1 (MCAHS1). Also called: PIGN-CDG; Congenital disorder of glycosylation due to PIGN deficiency; GLYCOSYLPHOSPHATIDYLINOSITOL BIOSYNTHESIS DEFECT 3. Identifiers: Orphanet 280633, MedGen C3279775, MONDO:0013563, OMIM 614080.

Allele frequency attached by ClinVar (database versions not stated): gnomAD 0.00001; TOPMed 0.00002.
gnomAD v4.1: 2 of 1,522,398 alleles (0.00013%); highest among the groups gnomAD compares: African/African-American, 0.0014%; no homozygotes.

Submission:

Labcorp Genetics (formerly Invitae), Labcorp
Classification: Uncertain significance for Multiple congenital anomalies-hypotonia-seizures syndrome 1. Last evaluated: 2025-01-06. Review status: criteria provided, single submitter. Criteria: Invitae Variant Classification Sherloc (09022015). Collection method: clinical testing. Allele origin: germline.
Comment: This sequence change replaces isoleucine, which is neutral and non-polar, with serine, which is neutral and polar, at codon 401 of the PIGN protein (p.Ile401Ser). This variant is not present in population databases (gnomAD no frequency). This variant has not been reported in the literature in individuals affected with PIGN-related conditions. ClinVar contains an entry for this variant (Variation ID: 945554). Invitae Evidence Modeling of protein sequence and biophysical properties (such as structural, functional, and spatial information, amino acid conservation, physicochemical variation, residue mobility, and thermodynamic stability) indicates that this missense variant is not expected to disrupt PIGN protein function with a negative predictive value of 80%. In summary, the available evidence is currently insufficient to determine the role of this variant in disease. Therefore, it has been classified as a Variant of Uncertain Significance.